The following is an entry in ClinVar:

ClinVar aggregate classification (germline): Benign (1 of 4 stars; one submission).

Allele frequency attached by ClinVar (database versions not stated): gnomAD 0.02006 and 0.02128; TOPMed 0.02267; 1000 Genomes Project 0.02496; 1000 Genomes Project 30x 0.02701.
gnomAD v4.1: 3,020 of 152,164 alleles (2%); highest among the groups gnomAD compares: African/African-American, 6.8%; 108 homozygotes.

Submission:

GeneDx
Classification: Benign. Last evaluated: 2018-06-19. Review status: criteria provided, single submitter. Criteria: GeneDx Variant Classification (06012015). Collection method: clinical testing. Allele origin: germline. Affected: yes.
Comment: This variant is considered likely benign or benign based on one or more of the following criteria: it is a conservative change, it occurs at a poorly conserved position in the protein, it is predicted to be benign by multiple in silico algorithms, and/or has population frequency not consistent with disease.

NM_004519.4(KCNQ3):c.777+306G>C

Gene: KCNQ3 (potassium voltage-gated channel subfamily Q member 3; minus strand). Cytogenetic location: 8q24.22.
Variant type: single nucleotide variant.
Coding change: c.777+306G>C on transcript NM_004519.4 (MANE Select); 306 bases into the intron after coding-DNA position 777, G replaced by C.
Molecular consequence: intron variant.
Genome position (GRCh38, 1-based): chr8:132,179,851, C>G on the plus strand (G>C on the coding strand, the complement: KCNQ3 is on the minus strand). VCF-style: chr8-132179851-C-G. GRCh37 (hg19) VCF-style: chr8-133192098-C-G.
Other names: c.417+306G>C (NM_001204824.2).
Identifiers: ClinVar variation 671734 (VCV000671734.1), dbSNP rs76215494, ClinGen allele CA186223919.